The following is an entry in ClinVar:

ClinVar aggregate classification (germline): Pathogenic (1 of 4 stars; one submission).

Conditions:
Fetal akinesia deformation sequence 1 (FADS1). Also called: Pena-Shokeir syndrome type I; Fetal akinesia sequence. Identifiers: Orphanet 994, MedGen C1276035, MONDO:0100101, OMIM 208150, HP:0001989.
Congenital myasthenic syndrome 11. Also called: MYASTHENIC SYNDROME, CONGENITAL, Ie; Myasthenic syndrome, congenital, 11, associated with acetylcholine receptor deficiency. Identifiers: Orphanet 590, MedGen C4225367, MONDO:0014588, OMIM 616326.

Submission:

Labcorp Genetics (formerly Invitae), Labcorp
Classification: Pathogenic for Congenital myasthenic syndrome 11; Fetal akinesia deformation sequence 1. Last evaluated: 2017-12-14. Review status: criteria provided, single submitter. Criteria: Invitae Variant Classification Sherloc (09022015). Collection method: clinical testing. Allele origin: germline.
Comment: This variant is a gross deletion of the genomic region encompassing exons 7-8 of the RAPSN gene. The 5' boundary is likely confined to intron 6. The 3' end of this event is unknown as it extends through the termination codon beyond the assayed region for this gene and may encompass additional genes. While this deletion is not anticipated to result in nonsense mediated decay, it is expected to create a truncated protein product or disrupt mRNA translation. Deletions of exons 7-8 have been observed on the opposite chromosome (in trans) from a pathogenic variant (p.Asn88Lys) in individuals affected with congenital myasthenic syndrome (PMID: 15482960, 20930056). This finding is consistent with autosomal recessive inheritance, and suggests that this variant contributes to disease. For these reasons, this variant has been classified as Pathogenic.

Literature cited by the submitters: PubMed 15482960; PubMed 20930056.

NC_000011.10:g.(?_47437955)_(47438951_?)del

Gene: RAPSN (receptor associated protein of the synapse; minus strand). Cytogenetic location: 11p11.2.
Variant type: Deletion.
Identifiers: ClinVar variation 542739 (VCV000542739.1).